The following is an entry in ClinVar:

ClinVar aggregate classification (germline): Uncertain significance (1 of 4 stars; one submission).

Conditions:
3-methylcrotonyl-CoA carboxylase 1 deficiency (MCC1D). Also called: MCCD TYPE 1; METHYLCROTONYLGLYCINURIA TYPE I; MCC 1 deficiency; 3 Alpha methylcrotonylglycinuria 1. Identifiers: Orphanet 6, MedGen CN028786, MONDO:0008861, OMIM 210200.

Submission:

Labcorp Genetics (formerly Invitae), Labcorp
Classification: Uncertain significance for 3-methylcrotonyl-CoA carboxylase 1 deficiency. Last evaluated: 2025-06-19. Review status: criteria provided, single submitter. Criteria: Invitae Variant Classification Sherloc (09022015). Collection method: clinical testing. Allele origin: germline.
Comment: This sequence change replaces tyrosine, which is neutral and polar, with cysteine, which is neutral and slightly polar, at codon 270 of the MCCC1 protein (p.Tyr270Cys). This variant is not present in population databases (gnomAD no frequency). This variant has not been reported in the literature in individuals affected with MCCC1-related conditions. Invitae Evidence Modeling of protein sequence and biophysical properties (such as structural, functional, and spatial information, amino acid conservation, physicochemical variation, residue mobility, and thermodynamic stability) has been performed for this missense variant. However, the output from this modeling did not meet the statistical confidence thresholds required to predict the impact of this variant on MCCC1 protein function. In summary, the available evidence is currently insufficient to determine the role of this variant in disease. Therefore, it has been classified as a Variant of Uncertain Significance.

NM_020166.5(MCCC1):c.809A>G (p.Tyr270Cys)

Gene: MCCC1 (methylcrotonyl-CoA carboxylase subunit 1; minus strand). Cytogenetic location: 3q27.1.
Variant type: single nucleotide variant.
Coding change: c.809A>G on transcript NM_020166.5 (MANE Select); coding-DNA position 809, A replaced by G.
Protein change: p.Tyr270Cys; replaces tyrosine 270 with cysteine.
Molecular consequence: missense variant. On other transcripts: non-coding transcript variant (2).
Genome position (GRCh38, 1-based): chr3:183,057,375, T>C on the plus strand (A>G on the coding strand, the complement: MCCC1 is on the minus strand). VCF-style: chr3-183057375-T-C. GRCh37 (hg19) VCF-style: chr3-182775163-T-C.
Other names: c.458A>G, p.Tyr153Cys (NM_001293273.2); c.482A>G, p.Tyr161Cys (NM_001363880.1); short protein forms Y153C, Y161C, Y270C.
Identifiers: ClinVar variation 4810555 (VCV004810555.1).